The following is an entry in ClinVar:

NM_000553.6(WRN):c.3384-1G>A

Gene: WRN (WRN RecQ like helicase; plus strand). Cytogenetic location: 8p12.
Variant type: single nucleotide variant.
Coding change: c.3384-1G>A on transcript NM_000553.6 (MANE Select); the canonical splice acceptor site of the intron before coding-DNA position 3384, G replaced by A.
Molecular consequence: splice acceptor variant.
Genome position (GRCh38, 1-based): chr8:31,147,052, G>A. VCF-style: chr8-31147052-G-A. GRCh37 (hg19) VCF-style: chr8-31004568-G-A.
Identifiers: ClinVar variation 458446 (VCV000458446.8), dbSNP rs776963381, ClinGen allele CA4705050.
Genomic context (GRCh38, chr8:31,147,052, plus strand): 5'-ATAGAAAGTCAATGAGGAGAAAGAAAAGCTTTTATTATTTATTTTCTTTTAAATATTTTA[G>A]TATCATGGTACAGTCACCAGAAAAAGCTTACAGTTCCTCACAGCCTGTTATTTCGGCACA-3'

ClinVar aggregate classification (germline): Pathogenic/Likely pathogenic. Review status: criteria provided, multiple submitters, no conflicts (2 of 4 stars). 3 submissions from 3 submitters: Pathogenic (2); Likely pathogenic (1). Last evaluated 2024-08-17.

Conditions:
Werner syndrome (WRN). Identifiers: Orphanet 902, MedGen C0043119, MONDO:0010196, OMIM 277700.

Allele frequency attached by ClinVar (database versions not stated): TOPMed below 0.00001; gnomAD 0.00001; gnomAD exomes 0.00001 and 0.00002; ExAC 0.00003.
gnomAD v4.1: 19 of 1,609,188 alleles (0.0012%); highest among the groups gnomAD compares: Non-Finnish European, 0.0015%; no homozygotes.

Submissions (4):

Labcorp Genetics (formerly Invitae), Labcorp
Classification: Pathogenic for Werner syndrome. Last evaluated: 2024-08-17. Review status: criteria provided, single submitter. Criteria: Invitae Variant Classification Sherloc (09022015). Collection method: clinical testing. Allele origin: germline.
Comment: This sequence change affects an acceptor splice site in intron 28 of the WRN gene. RNA analysis indicates that disruption of this splice site induces altered splicing and may result in an absent or altered protein product. This variant is present in population databases (rs776963381, gnomAD 0.004%). Disruption of this splice site has been observed in individual(s) with breast cancer (PMID: 26689913). This variant is also known as e28-1G>A. ClinVar contains an entry for this variant (Variation ID: 458446). Studies have shown that disruption of this splice site results in skipping of exon 29, and produces a non-functional protein and/or introduces a premature termination codon (Invitae). For these reasons, this variant has been classified as Pathogenic.

Baylor Genetics
Classification: Likely pathogenic for Werner syndrome. Last evaluated: 2023-06-15. Review status: criteria provided, single submitter. Criteria: ACMG Guidelines, 2015. Collection method: clinical testing. Allele origin: unknown.

Fulgent Genetics
Classification: Pathogenic for Werner syndrome. Last evaluated: 2022-04-20. Review status: criteria provided, single submitter. Criteria: ACMG Guidelines, 2015. Collection method: clinical testing. Allele origin: unknown.

Dr. Peter K. Rogan Lab, Western University
No classification provided (evidence only). Condition: Familial cancer of breast. Review status: no classification provided. Collection method: in vitro. Allele origin: not applicable. Functional consequence: skipped exon, retained intron. Not counted in ClinVar's aggregate classification.

Literature cited by the submitters: PubMed 26689913 (cited by Labcorp Genetics (formerly Invitae), Labcorp).